The following is an entry in ClinVar:

NM_001378687.1(ATP2C1):c.836dup (p.Ile280fs)

Gene: ATP2C1 (ATPase secretory pathway Ca2+ transporting 1; plus strand). Cytogenetic location: 3q22.1.
Variant type: Duplication.
Coding change: c.836dup on transcript NM_001378687.1 (MANE Select); coding-DNA position 836, one base duplicated (T; older notation c.836dupT).
Protein change: p.Ile280fs; shifts the reading frame from isoleucine 280.
Molecular consequence: frameshift variant.
Genome position (GRCh38, 1-based): chr3:130,959,278, T duplicated. VCF-style (leftmost placement, unchanged base first): chr3-130959277-A-AT. GRCh37 (hg19) VCF-style: chr3-130678121-A-AT.
Other names: c.836dup, p.Ile280fs (NM_001001485.3, NM_001001486.2, NM_001001487.2 and 5 more transcripts); c.938dup, p.Ile314fs (NM_001199180.2, NM_001199181.3, NM_001378511.1); c.821dup, p.Ile275fs (NM_001199182.2); c.788dup, p.Ile264fs (NM_001199183.2, NM_001199184.3, NM_001378514.1); short protein forms I264fs, I275fs, I280fs, I314fs.
Identifiers: ClinVar variation 3906450 (VCV003906450.1).
Genomic context (GRCh38, chr3:130,959,277, plus strand): 5'-TGTTCCTTCTAGGTGATTGTATGTAAAAGGGAAAAATAACTATTTAATTATCTTTCAGGA[A>AT]TCATCATGTTGGTTGGCTGGTTACTGGGAAAAGATATCCTGGAAATGTTTACTATTAGTG-3'

ClinVar aggregate classification (germline): Pathogenic (1 of 4 stars; one submission).

Submission:

GeneDx
Classification: Pathogenic. Last evaluated: 2024-12-18. Review status: criteria provided, single submitter. Criteria: GeneDx Variant Classification Process June 2021. Collection method: clinical testing. Allele origin: germline. Affected: yes.
Comment: Not observed at significant frequency in large population cohorts (gnomAD); Frameshift variant predicted to result in protein truncation or nonsense mediated decay in a gene for which loss of function is a known mechanism of disease; This variant is associated with the following publications: (PMID: 10615129)